The following is an entry in ClinVar:

ClinVar aggregate classification (germline): Uncertain significance (1 of 4 stars; one submission).

Allele frequency attached by ClinVar (database versions not stated): gnomAD exomes below 0.00001.
gnomAD v4.1: 1 of 1,607,664 alleles (0.000062%); highest among the groups gnomAD compares: Non-Finnish European, 0.000085%; no homozygotes.

Submission:

Labcorp Genetics (formerly Invitae), Labcorp
Classification: Uncertain significance. Last evaluated: 2025-10-22. Review status: criteria provided, single submitter. Criteria: Invitae Variant Classification Sherloc (09022015). Collection method: clinical testing. Allele origin: germline.
Comment: This sequence change replaces tryptophan, which is neutral and slightly polar, with cysteine, which is neutral and slightly polar, at codon 3011 of the ASPM protein (p.Trp3011Cys). This variant is not present in population databases (gnomAD no frequency). This variant has not been reported in the literature in individuals affected with ASPM-related conditions. ClinVar contains an entry for this variant (Variation ID: 2042065). An algorithm developed to predict the effect of missense changes on protein structure and function (PolyPhen-2) suggests that this variant is likely to be disruptive. In summary, the available evidence is currently insufficient to determine the role of this variant in disease. Therefore, it has been classified as a Variant of Uncertain Significance.

NM_018136.5(ASPM):c.9033G>C (p.Trp3011Cys)

Gene: ASPM (assembly factor for spindle microtubules; minus strand). Cytogenetic location: 1q31.3.
Variant type: single nucleotide variant.
Coding change: c.9033G>C on transcript NM_018136.5 (MANE Select); coding-DNA position 9033, G replaced by C.
Protein change: p.Trp3011Cys; replaces tryptophan 3011 with cysteine.
Molecular consequence: missense variant.
Genome position (GRCh38, 1-based): chr1:197,094,135, C>G on the plus strand (G>C on the coding strand, the complement: ASPM is on the minus strand). VCF-style: chr1-197094135-C-G. GRCh37 (hg19) VCF-style: chr1-197063265-C-G.
Other names: c.4278G>C, p.Trp1426Cys (NM_001206846.2); short protein forms W1426C, W3011C.
Identifiers: ClinVar variation 2042065 (VCV002042065.4), dbSNP rs2527272775, ClinGen allele CA344009105.